The following is an entry in ClinVar:

NM_024312.5(GNPTAB):c.2725T>G (p.Ser909Ala)

Gene: GNPTAB (N-acetylglucosamine-1-phosphate transferase subunits alpha and beta; minus strand). Cytogenetic location: 12q23.2.
Variant type: single nucleotide variant.
Coding change: c.2725T>G on transcript NM_024312.5 (MANE Select); coding-DNA position 2725, T replaced by G.
Protein change: p.Ser909Ala; replaces serine 909 with alanine.
Molecular consequence: missense variant.
Genome position (GRCh38, 1-based): chr12:101,761,754, A>C on the plus strand (T>G on the coding strand, the complement: GNPTAB is on the minus strand). VCF-style: chr12-101761754-A-C. GRCh37 (hg19) VCF-style: chr12-102155532-A-C.
Other names: short protein forms S909A.
Identifiers: ClinVar variation 2947462 (VCV002947462.3), dbSNP rs1953000959, ClinGen allele CA386296498.

ClinVar aggregate classification (germline): Uncertain significance (1 of 4 stars; one submission).

Conditions:
Mucolipidosis type II. Also called: ML II ALPHA/BETA; Mucolipidosis 2; ML 2; Inclusion cell disease; Leroy Disease; N-acetylglucosamine 1phosphotransferase deficiency. Identifiers: Orphanet 576, MedGen C2673377, MONDO:0009650, OMIM 252500.
Pseudo-Hurler polydystrophy. Also called: ML III; ML III ALPHA/BETA; Type III Mucolipidosis; ML IIIA; Mucolipidosis III Alpha/Beta; MUCOLIPIDOSIS IIIA. Identifiers: Orphanet 423461, Orphanet 577, MedGen C0033788, MONDO:0018931, OMIM 252600.

Allele frequency attached by ClinVar (database versions not stated): gnomAD exomes below 0.00001.
gnomAD v4.1: 3 of 1,611,208 alleles (0.00019%); highest among the groups gnomAD compares: Non-Finnish European, 0.00025%; no homozygotes.

Submission:

Labcorp Genetics (formerly Invitae), Labcorp
Classification: Uncertain significance for Pseudo-Hurler polydystrophy; Mucolipidosis type II. Last evaluated: 2025-10-02. Review status: criteria provided, single submitter. Criteria: Invitae Variant Classification Sherloc (09022015). Collection method: clinical testing. Allele origin: germline.
Comment: This sequence change replaces serine, which is neutral and polar, with alanine, which is neutral and non-polar, at codon 909 of the GNPTAB protein (p.Ser909Ala). This variant is not present in population databases (gnomAD no frequency). This variant has not been reported in the literature in individuals affected with GNPTAB-related conditions. ClinVar contains an entry for this variant (Variation ID: 2947462). Invitae Evidence Modeling of protein sequence and biophysical properties (such as structural, functional, and spatial information, amino acid conservation, physicochemical variation, residue mobility, and thermodynamic stability) indicates that this missense variant is not expected to disrupt GNPTAB protein function with a negative predictive value of 80%. In summary, the available evidence is currently insufficient to determine the role of this variant in disease. Therefore, it has been classified as a Variant of Uncertain Significance.